The following is an entry in ClinVar:

NM_006231.4(POLE):c.893A>T (p.Tyr298Phe)

Gene: POLE (DNA polymerase epsilon, catalytic subunit; minus strand). Cytogenetic location: 12q24.33.
Variant type: single nucleotide variant.
Coding change: c.893A>T on transcript NM_006231.4 (MANE Select); coding-DNA position 893, A replaced by T.
Protein change: p.Tyr298Phe; replaces tyrosine 298 with phenylalanine.
Molecular consequence: missense variant.
Genome position (GRCh38, 1-based): chr12:132,676,562, T>A on the plus strand (A>T on the coding strand, the complement: POLE is on the minus strand). VCF-style: chr12-132676562-T-A. GRCh37 (hg19) VCF-style: chr12-133253148-T-A.
Other names: short protein forms Y298F.
Identifiers: ClinVar variation 3935791 (VCV003935791.1).

ClinVar aggregate classification (germline): Uncertain significance (1 of 4 stars; one submission).

Conditions:
Hereditary cancer-predisposing syndrome. Also called: Tumor predisposition; Hereditary neoplastic syndrome; Hereditary Cancer Syndrome; Neoplastic Syndromes, Hereditary. Identifiers: Orphanet 140162, MedGen C0027672, MeSH D009386, MONDO:0015356.

Submission:

Ambry Genetics
Classification: Uncertain significance for Hereditary cancer-predisposing syndrome. Last evaluated: 2025-06-08. Review status: criteria provided, single submitter. Criteria: Ambry Variant Classification Scheme 2023. Collection method: clinical testing. Allele origin: germline.
Comment: The p.Y298F variant (also known as c.893A>T), located in coding exon 9 of the POLE gene, results from an A to T substitution at nucleotide position 893. The tyrosine at codon 298 is replaced by phenylalanine, an amino acid with highly similar properties. This amino acid position is conserved. In addition, the in silico prediction for this alteration is inconclusive. Based on the available evidence, the clinical significance of this variant remains unclear.